The following is an entry in ClinVar:

NM_001184.4(ATR):c.5740C>G (p.Pro1914Ala)

Gene: ATR (ATR checkpoint kinase; minus strand). Cytogenetic location: 3q23.
Variant type: single nucleotide variant.
Coding change: c.5740C>G on transcript NM_001184.4 (MANE Select); coding-DNA position 5740, C replaced by G.
Protein change: p.Pro1914Ala; replaces proline 1914 with alanine.
Molecular consequence: missense variant.
Genome position (GRCh38, 1-based): chr3:142,496,519, G>C on the plus strand (C>G on the coding strand, the complement: ATR is on the minus strand). VCF-style: chr3-142496519-G-C. GRCh37 (hg19) VCF-style: chr3-142215361-G-C.
Other names: c.5740C>G (NM_001184.3); c.5548C>G, p.Pro1850Ala (NM_001354579.2); short protein forms P1850A, P1914A.
Identifiers: ClinVar variation 1398126 (VCV001398126.9), dbSNP rs368559821, ClinGen allele CA84760425.

ClinVar aggregate classification (germline): Uncertain significance. Review status: criteria provided, multiple submitters, no conflicts (2 of 4 stars). 2 submissions from 2 submitters: Uncertain significance (2). Last evaluated 2022-12-14.

Conditions:
Inborn genetic diseases. Identifiers: MedGen C0950123, MeSH D030342.

gnomAD v4.1: 16 of 1,608,284 alleles (0.00099%); highest among the groups gnomAD compares: Non-Finnish European, 0.0013%; no homozygotes.

Submissions (2):

Ambry Genetics
Classification: Uncertain significance for Inborn genetic diseases. Last evaluated: 2022-12-14. Review status: criteria provided, single submitter. Criteria: Ambry Variant Classification Scheme 2023. Collection method: clinical testing. Allele origin: germline.
Comment: The p.P1914A variant (also known as c.5740C>G), located in coding exon 34 of the ATR gene, results from a C to G substitution at nucleotide position 5740. The proline at codon 1914 is replaced by alanine, an amino acid with highly similar properties. This amino acid position is conserved. In addition, this alteration is predicted to be tolerated by in silico analysis. Since supporting evidence is limited at this time, the clinical significance of this alteration remains unclear.

Labcorp Genetics (formerly Invitae), Labcorp
Classification: Uncertain significance. Last evaluated: 2021-01-13. Review status: criteria provided, single submitter. Criteria: Invitae Variant Classification Sherloc (09022015). Collection method: clinical testing. Allele origin: germline.
Comment: Algorithms developed to predict the effect of sequence changes on RNA splicing suggest that this variant may create or strengthen a splice site, but this prediction has not been confirmed by published transcriptional studies. Algorithms developed to predict the effect of missense changes on protein structure and function (SIFT, PolyPhen-2, Align-GVGD) all suggest that this variant is likely to be tolerated, but these predictions have not been confirmed by published functional studies and their clinical significance is uncertain. This variant has not been reported in the literature in individuals with ATR-related conditions. This variant is not present in population databases (ExAC no frequency). This sequence change replaces proline with alanine at codon 1914 of the ATR protein (p.Pro1914Ala). The proline residue is moderately conserved and there is a small physicochemical difference between proline and alanine. In summary, the available evidence is currently insufficient to determine the role of this variant in disease. Therefore, it has been classified as a Variant of Uncertain Significance.